The following is an entry in ClinVar:

ClinVar aggregate classification (germline): Uncertain significance. Review status: criteria provided, multiple submitters, no conflicts (2 of 4 stars). 3 submissions from 3 submitters: Uncertain significance (3). Last evaluated 2024-11-12.

Conditions:
Cataract 22 multiple types. Also called: Cataract 22; CATARACT 22, MULTIPLE TYPES, AUTOSOMAL DOMINANT; CATARACT 22, NUCLEAR, AUTOSOMAL RECESSIVE. Identifiers: Orphanet 91492, MedGen C1857853, MONDO:0012336, OMIM 609741.

Allele frequency attached by ClinVar (database versions not stated): gnomAD 0.00009 and 0.00013; gnomAD exomes 0.00011; ExAC 0.00013; TOPMed 0.00014.
gnomAD v4.1: 202 of 1,613,278 alleles (0.013%); highest among the groups gnomAD compares: Middle Eastern, 0.033%; no homozygotes.

Submissions (3):

Blueprint Genetics
Classification: Uncertain significance. Last evaluated: 2024-11-12. Review status: criteria provided, single submitter. Criteria: ACMG Guidelines, 2015. Collection method: clinical testing. Allele origin: germline.

Labcorp Genetics (formerly Invitae), Labcorp
Classification: Uncertain significance for Cataract 22 multiple types. Last evaluated: 2023-04-01. Review status: criteria provided, single submitter. Criteria: Invitae Variant Classification Sherloc (09022015). Collection method: clinical testing. Allele origin: germline.
Comment: This sequence change replaces glutamic acid, which is acidic and polar, with aspartic acid, which is acidic and polar, at codon 177 of the CRYBB3 protein (p.Glu177Asp). This variant is present in population databases (rs201027853, gnomAD 0.02%). This missense change has been observed in individuals with congenital cataracts (PMID: 33923544; Invitae). ClinVar contains an entry for this variant (Variation ID: 900831). An algorithm developed to predict the effect of missense changes on protein structure and function (PolyPhen-2) suggests that this variant is likely to be tolerated. In summary, the available evidence is currently insufficient to determine the role of this variant in disease. Therefore, it has been classified as a Variant of Uncertain Significance.

Illumina Laboratory Services, Illumina
Classification: Uncertain significance for Cataract 22 multiple types. Last evaluated: 2018-01-13. Review status: criteria provided, single submitter. Criteria: ICSL Variant Classification Criteria 13 December 2019. Collection method: clinical testing. Allele origin: germline.

Literature cited by the submitters: PubMed 33923544 (cited by Labcorp Genetics (formerly Invitae), Labcorp).

NM_004076.5(CRYBB3):c.531G>T (p.Glu177Asp)

Gene: CRYBB3 (crystallin beta B3; plus strand). Cytogenetic location: 22q11.23.
Variant type: single nucleotide variant.
Coding change: c.531G>T on transcript NM_004076.5 (MANE Select); coding-DNA position 531, G replaced by T.
Protein change: p.Glu177Asp; replaces glutamic acid 177 with aspartic acid.
Molecular consequence: missense variant.
Genome position (GRCh38, 1-based): chr22:25,207,107, G>T. VCF-style: chr22-25207107-G-T. GRCh37 (hg19) VCF-style: chr22-25603074-G-T.
Other names: short protein forms E177D.
Identifiers: ClinVar variation 900831 (VCV000900831.8), dbSNP rs201027853, ClinGen allele CA10157839.
Genomic context (GRCh38, chr22:25,207,107, plus strand): 5'-GTGGGTTGGCTATGAGTTCCCCGGCTACCGTGGGCGCCAGTACGTGTTTGAGCGGGGCGA[G>T]TACCGCCACTGGAATGAGTGGGACGCCAGCCAGCCGCAGCTGCAGTCTGTGCGCCGCATC-3'
Protein context (NP_004067.1, residues 167-187): RGRQYVFERG[Glu177Asp]YRHWNEWDAS